The following is an entry in ClinVar:

ClinVar aggregate classification (germline): Uncertain significance (1 of 4 stars; one submission).

gnomAD v4.1: 2 of 1,613,660 alleles (0.00012%); highest among the groups gnomAD compares: Non-Finnish European, 0.00017%; no homozygotes.

Submission:

Labcorp Genetics (formerly Invitae), Labcorp
Classification: Uncertain significance. Last evaluated: 2025-02-09. Review status: criteria provided, single submitter. Criteria: Invitae Variant Classification Sherloc (09022015). Collection method: clinical testing. Allele origin: germline.
Comment: This sequence change replaces serine, which is neutral and polar, with isoleucine, which is neutral and non-polar, at codon 1176 of the MYO7A protein (p.Ser1176Ile). This variant is present in population databases (no rsID available, gnomAD 0.0009%). This variant has not been reported in the literature in individuals affected with MYO7A-related conditions. Invitae Evidence Modeling of protein sequence and biophysical properties (such as structural, functional, and spatial information, amino acid conservation, physicochemical variation, residue mobility, and thermodynamic stability) indicates that this missense variant is not expected to disrupt MYO7A protein function with a negative predictive value of 95%. In summary, the available evidence is currently insufficient to determine the role of this variant in disease. Therefore, it has been classified as a Variant of Uncertain Significance.

NM_000260.4(MYO7A):c.3527G>T (p.Ser1176Ile)

Gene: MYO7A (myosin VIIA; plus strand). Cytogenetic location: 11q13.5.
Variant type: single nucleotide variant.
Coding change: c.3527G>T on transcript NM_000260.4 (MANE Select); coding-DNA position 3527, G replaced by T.
Protein change: p.Ser1176Ile; replaces serine 1176 with isoleucine.
Molecular consequence: missense variant.
Genome position (GRCh38, 1-based): chr11:77,189,367, G>T. VCF-style: chr11-77189367-G-T. GRCh37 (hg19) VCF-style: chr11-76900412-G-T.
Other names: c.3527G>T, p.Ser1176Ile (NM_001127180.2); c.3494G>T, p.Ser1165Ile (NM_001369365.1); short protein forms S1176I, S1165I.
Identifiers: ClinVar variation 4702572 (VCV004702572.1).